The following is an entry in ClinVar:

NM_001112732.3(MCF2L):c.2595C>T (p.Asn865=)

Gene: MCF2L (MCF.2 cell line derived transforming sequence like; plus strand). Cytogenetic location: 13q34.
Variant type: single nucleotide variant.
Coding change: c.2595C>T on transcript NM_001112732.3 (MANE Select); coding-DNA position 2595, C replaced by T.
Protein change: p.Asn865=; no amino-acid change (asparagine 865 retained).
Molecular consequence: synonymous variant.
Genome position (GRCh38, 1-based): chr13:113,087,456, C>T. VCF-style: chr13-113087456-C-T. GRCh37 (hg19) VCF-style: chr13-113741770-C-T.
Other names: c.2589C>T, p.Asn863= (NM_001320815.2, NM_001320817.2, NM_024979.5); c.2607C>T, p.Asn869= (NM_001320816.2); c.2508C>T, p.Asn836= (NM_001366644.2); c.2481C>T, p.Asn827= (NM_001366645.2, NM_001366646.2).
Identifiers: ClinVar variation 719931 (VCV000719931.29), dbSNP rs150786675, ClinGen allele CA7059297.

ClinVar aggregate classification (germline): Likely benign. Review status: criteria provided, multiple submitters, no conflicts (2 of 4 stars). 3 submissions from 3 submitters: Likely benign (3). Last evaluated 2022-05-01.

Allele frequency attached by ClinVar (database versions not stated): 1000 Genomes Project 30x 0.00125; 1000 Genomes Project 0.00140; gnomAD exomes 0.00315 and 0.00498; gnomAD 0.00316 and 0.00318; TOPMed 0.00319; ESP Exome Variant Server 0.00339; ExAC 0.00460.
gnomAD v4.1: 7,626 of 1,599,518 alleles (0.48%); highest among the groups gnomAD compares: Non-Finnish European, 0.58%; 41 homozygotes.

Submissions (3):

CeGaT Center for Human Genetics Tuebingen
Classification: Likely benign. Last evaluated: 2022-05-01. Review status: criteria provided, single submitter. Criteria: CeGaT Center For Human Genetics Tuebingen Variant Classification Criteria Version 2. Collection method: clinical testing. Allele origin: germline. Affected: yes. Observed: 2 variant alleles.
Comment: MCF2L: BP4, BP7

Labcorp Genetics (formerly Invitae), Labcorp
Classification: Likely benign. Last evaluated: 2019-12-31. Review status: criteria provided, single submitter. Criteria: Invitae Variant Classification Sherloc (09022015). Collection method: clinical testing. Allele origin: germline.

Breakthrough Genomics
Classification: Likely benign. Review status: criteria provided, single submitter. Criteria: ACMG Guidelines, 2015. Collection method: not provided. Allele origin: germline. Inheritance: Unknown mechanism. Affected: yes.